The following is an entry in ClinVar:

NM_152564.5(VPS13B):c.10152T>G (p.Ala3384=)

Gene: VPS13B (vacuolar protein sorting 13 homolog B; plus strand). Cytogenetic location: 8q22.2.
Variant type: single nucleotide variant.
Coding change: c.10152T>G on transcript NM_152564.5 (MANE Select); coding-DNA position 10152, T replaced by G.
Protein change: p.Ala3384=; no amino-acid change (alanine 3384 retained).
Molecular consequence: synonymous variant.
Genome position (GRCh38, 1-based): chr8:99,853,541, T>G. VCF-style: chr8-99853541-T-G. GRCh37 (hg19) VCF-style: chr8-100865769-T-G.
Other names: c.10152T>G (NM_152564.4); c.10227T>G, p.Ala3409= (NM_017890.5).
Identifiers: ClinVar variation 1631506 (VCV001631506.34), dbSNP rs374129601, ClinGen allele CA4824902.

ClinVar aggregate classification (germline): Likely benign. Review status: criteria provided, multiple submitters, no conflicts (2 of 4 stars). 4 submissions from 4 submitters: Likely benign (4). Last evaluated 2025-02-01.

Conditions:
VPS13B-related disorder. Also called: VPS13B-related condition.
Cohen syndrome (COH1). Also called: PEPPER SYNDROME; Cutis verticis gyrata, retinitis pigmentosa, and sensorineural deafness. Identifiers: Orphanet 193, MedGen C0265223, MONDO:0008999, OMIM 216550.

Allele frequency attached by ClinVar (database versions not stated): gnomAD 0.00001 and 0.00002; ExAC 0.00004; ESP Exome Variant Server 0.00008.
gnomAD v4.1: 104 of 1,614,028 alleles (0.0064%); highest among the groups gnomAD compares: Non-Finnish European, 0.0087%; 1 homozygote.

Submissions (4):

CeGaT Center for Human Genetics Tuebingen
Classification: Likely benign. Last evaluated: 2025-02-01. Review status: criteria provided, single submitter. Criteria: CeGaT Center For Human Genetics Tuebingen Variant Classification Criteria Version 2. Collection method: clinical testing. Allele origin: germline. Affected: yes. Observed: 3 variant alleles.
Comment: VPS13B: BP4, BP7

PreventionGenetics, part of Exact Sciences
Classification: Likely benign for VPS13B-related condition. Last evaluated: 2024-10-07. Review status: criteria provided, single submitter. Criteria: ACMG Guidelines, 2015. Collection method: clinical testing. Allele origin: germline.
Comment: This variant is classified as likely benign based on ACMG/AMP sequence variant interpretation guidelines (Richards et al. 2015 PMID: 25741868, with internal and published modifications).

Labcorp Genetics (formerly Invitae), Labcorp
Classification: Likely benign for Cohen syndrome. Last evaluated: 2024-05-08. Review status: criteria provided, single submitter. Criteria: Invitae Variant Classification Sherloc (09022015). Collection method: clinical testing. Allele origin: germline.

Blueprint Genetics
Classification: Likely benign. Last evaluated: 2021-12-29. Review status: criteria provided, single submitter. Criteria: ACMG Guidelines, 2015. Collection method: clinical testing. Allele origin: germline.